The following is an entry in ClinVar:

NC_000017.10:g.(?_3379290)_(3406700_?)del

Gene: ASPA (aspartoacylase; plus strand). Cytogenetic location: 17p13.2.
Variant type: Deletion.
Identifiers: ClinVar variation 3912004 (VCV003912004.2).

ClinVar aggregate classification (germline): Pathogenic (1 of 4 stars; one submission).

Conditions:
Canavan Disease, Familial Form. Identifiers: MedGen C0751663.

Submission:

Women's Health and Genetics/Laboratory Corporation of America, LabCorp
Classification: Pathogenic for Canavan Disease, Familial Form. Last evaluated: 2025-07-07. Review status: criteria provided, single submitter. Criteria: LabCorp Variant Classification Summary - May 2015. Collection method: clinical testing. Allele origin: germline.
Comment: Variant summary: The variant involves the deletion of exons 1-6 in the ASPA gene. A presumed nomenclature of c.(?_-164)_(*4318_?)del has been designated for the purposes of this classification. This deletion includes the entire coding sequence of the gene. As the exact proximal and distal breakpoints are unknown, it may extend beyond the annotated region of the gene to include other flanking genes. The variant was absent in 21694 control chromosomes, however a larger deletion involving parts of other genes (SPATA22 and TRPV3) was found at a frequency of 0.000046 (i.e. 1 allele) in 21694 control chromosomes (gnomAD structural variants dataset). A large deletion variant involving the entire ASPA gene together with a large part of the downstream gene (TRPV3) has been observed in individuals affected with Canavan Disease (e.g. Zeng_2006). These data indicate that the variant is likely to be associated with disease. The following publication has been ascertained in the context of this evaluation (PMID: 16854607). ClinVar contains an entry for this variant (Variation ID: 3242932). Based on the evidence outlined above, the variant was classified as pathogenic.

Literature cited by the submitters: PubMed 16854607.